The following is an entry in ClinVar:

NM_001369369.1(FOXN1):c.1897G>A (p.Gly633Ser)

Gene: FOXN1 (forkhead box N1; plus strand). Cytogenetic location: 17q11.2.
Variant type: single nucleotide variant.
Coding change: c.1897G>A on transcript NM_001369369.1 (MANE Select); coding-DNA position 1897, G replaced by A.
Protein change: p.Gly633Ser; replaces glycine 633 with serine.
Molecular consequence: missense variant.
Genome position (GRCh38, 1-based): chr17:28,537,386, G>A. VCF-style: chr17-28537386-G-A. GRCh37 (hg19) VCF-style: chr17-26864404-G-A.
Other names: c.1897G>A, p.Gly633Ser (NM_003593.3); c.1897G>A (NM_003593.2); short protein forms G633S.
Identifiers: ClinVar variation 1383729 (VCV001383729.10), dbSNP rs1422635605, ClinGen allele CA398328703.

ClinVar aggregate classification (germline): Uncertain significance. Review status: criteria provided, multiple submitters, no conflicts (2 of 4 stars). 3 submissions from 3 submitters: Uncertain significance (3). Last evaluated 2024-07-26.

Conditions:
Inborn genetic diseases. Identifiers: MedGen C0950123, MeSH D030342.
T-cell immunodeficiency, congenital alopecia, and nail dystrophy. Also called: Congenital alopecia and nail dystrophy associated with severe functional T-cell immunodeficiency; Pignata Guarino syndrome. Identifiers: Orphanet 169095, MedGen C1866426, MONDO:0011132, OMIM 601705.

Allele frequency attached by ClinVar (database versions not stated): gnomAD exomes below 0.00001; TOPMed below 0.00001.

Submissions (3):

Ambry Genetics
Classification: Uncertain significance for Inborn genetic diseases. Last evaluated: 2024-07-26. Review status: criteria provided, single submitter. Criteria: Ambry Variant Classification Scheme 2023. Collection method: clinical testing. Allele origin: germline.

Labcorp Genetics (formerly Invitae), Labcorp
Classification: Uncertain significance for T-cell immunodeficiency, congenital alopecia, and nail dystrophy. Last evaluated: 2023-04-01. Review status: criteria provided, single submitter. Criteria: Invitae Variant Classification Sherloc (09022015). Collection method: clinical testing. Allele origin: germline.
Comment: In summary, the available evidence is currently insufficient to determine the role of this variant in disease. Therefore, it has been classified as a Variant of Uncertain Significance. An algorithm developed to predict the effect of missense changes on protein structure and function (PolyPhen-2) suggests that this variant is likely to be disruptive. ClinVar contains an entry for this variant (Variation ID: 1383729). This variant has not been reported in the literature in individuals affected with FOXN1-related conditions. This variant is not present in population databases (gnomAD no frequency). This sequence change replaces glycine, which is neutral and non-polar, with serine, which is neutral and polar, at codon 633 of the FOXN1 protein (p.Gly633Ser).

Blueprint Genetics
Classification: Uncertain significance. Last evaluated: 2019-02-13. Review status: criteria provided, single submitter. Criteria: ACMG Guidelines, 2015. Collection method: clinical testing. Allele origin: germline.